The following is an entry in ClinVar:

NM_033380.3(COL4A5):c.385-707G>T

Gene: COL4A5 (collagen type IV alpha 5 chain; plus strand). Cytogenetic location: Xq22.3.
Variant type: single nucleotide variant.
Coding change: c.385-707G>T on transcript NM_033380.3 (MANE Select); 707 bases into the intron before coding-DNA position 385, G replaced by T.
Molecular consequence: intron variant.
Genome position (GRCh38, 1-based): chrX:108,570,706, G>T. VCF-style: chrX-108570706-G-T. GRCh37 (hg19) VCF-style: chrX-107813936-G-T.
Other names: c.385-707G>T (NM_000495.5).
Identifiers: ClinVar variation 4886904 (VCV004886904.1).

ClinVar aggregate classification (germline): Likely pathogenic (1 of 4 stars; one submission).

Conditions:
X-linked Alport syndrome (ATS1). Also called: NEPHROPATHY AND DEAFNESS, X-LINKED; COL4A5-Related Nephropathy. Identifiers: Orphanet 63, Orphanet 88917, MedGen C4746986, MONDO:0010520, OMIM 301050.

Submission:

Department of Nephrology and Hypertension, University Hospital Erlangen, Friedrich-Alexander-Universität Erlangen-Nürnberg
Classification: Likely pathogenic for X-linked Alport syndrome. Last evaluated: 2026-08-25. Review status: criteria provided, single submitter. Criteria: ACMG Guidelines, 2015. Collection method: research. Allele origin: germline. Inheritance: X-linked inheritance. Affected: yes. Observed: 4 variant alleles, 1 heterozygote, 3 hemizygotes.
Comment: The COL4A5 c.385-707G>T deep intronic variant was identified in multiple members of a family with a strong clinical suspicion of X-linked Alport syndrome. RNA sequencing and Sanger sequencing of a variant-specific PCR product demonstrated aberrant splicing with retention of a 147-bp pseudoexon containing a premature termination codon. Immunoblotting of urinary tubular cells and immunofluorescence staining of a skin biopsy demonstrated complete absence of COL4A5 protein in affected hemizygous males. Taken together, these findings provide strong evidence that the c.385-707G>T variant disrupts normal splicing and support its classification as likely pathogenic.

Literature cited by the submitters: PubMed 37230224; PubMed 42254845; PubMed 12436246; PubMed 36714647.